The following is an entry in ClinVar:

ClinVar aggregate classification (germline): Uncertain significance (1 of 4 stars; one submission).

Allele frequency attached by ClinVar (database versions not stated): gnomAD exomes below 0.00001 and 0.00001; ExAC 0.00001; gnomAD 0.00001; TOPMed 0.00001.
gnomAD v4.1: 9 of 1,596,886 alleles (0.00056%); highest among the groups gnomAD compares: Non-Finnish European, 0.00077%; no homozygotes.

Submission:

Labcorp Genetics (formerly Invitae), Labcorp
Classification: Uncertain significance. Last evaluated: 2022-03-28. Review status: criteria provided, single submitter. Criteria: Invitae Variant Classification Sherloc (09022015). Collection method: clinical testing. Allele origin: germline.
Comment: This sequence change replaces phenylalanine, which is neutral and non-polar, with leucine, which is neutral and non-polar, at codon 316 of the CNGB3 protein (p.Phe316Leu). The frequency data for this variant in the population databases is considered unreliable, as metrics indicate poor data quality at this position in the gnomAD database. This variant has not been reported in the literature in individuals affected with CNGB3-related conditions. Advanced modeling of protein sequence and biophysical properties (such as structural, functional, and spatial information, amino acid conservation, physicochemical variation, residue mobility, and thermodynamic stability) performed at Invitae indicates that this missense variant is not expected to disrupt CNGB3 protein function. Algorithms developed to predict the effect of sequence changes on RNA splicing suggest that this variant may disrupt the consensus splice site. In summary, the available evidence is currently insufficient to determine the role of this variant in disease. Therefore, it has been classified as a Variant of Uncertain Significance.

NM_019098.5(CNGB3):c.948C>A (p.Phe316Leu)

Gene: CNGB3 (cyclic nucleotide gated channel subunit beta 3; minus strand). Cytogenetic location: 8q21.3.
Variant type: single nucleotide variant.
Coding change: c.948C>A on transcript NM_019098.5 (MANE Select); coding-DNA position 948, C replaced by A.
Protein change: p.Phe316Leu; replaces phenylalanine 316 with leucine.
Molecular consequence: missense variant.
Genome position (GRCh38, 1-based): chr8:86,647,843, G>T on the plus strand (C>A on the coding strand, the complement: CNGB3 is on the minus strand). VCF-style: chr8-86647843-G-T. GRCh37 (hg19) VCF-style: chr8-87660071-G-T.
Other names: short protein forms F316L.
Identifiers: ClinVar variation 1424698 (VCV001424698.5), dbSNP rs764146474, ClinGen allele CA4800212.
Genomic context (GRCh38, chr8:86,647,843, plus strand): 5'-TAAATATAGTTATCTTACCTTTAACATCCTATTTGCTCTAAACATTGGATTAAACCCAAA[G>T]AAGAGGTAGCAAATATCAAATGGTATTATTGATGCGACATCCAACTGTTGAAAGAACACA-3'
Protein context (NP_061971.3, residues 306-326): SIIPFDICYL[Phe316Leu]FGFNPMFRAN